The following is an entry in ClinVar:

NM_000891.3(KCNJ2):c.1222C>T (p.Leu408Phe)

Gene: KCNJ2 (potassium inwardly rectifying channel subfamily J member 2; plus strand). Cytogenetic location: 17q24.3.
Variant type: single nucleotide variant.
Coding change: c.1222C>T on transcript NM_000891.3 (MANE Select); coding-DNA position 1222, C replaced by T.
Protein change: p.Leu408Phe; replaces leucine 408 with phenylalanine.
Molecular consequence: missense variant.
Genome position (GRCh38, 1-based): chr17:70,176,261, C>T. VCF-style: chr17-70176261-C-T. GRCh37 (hg19) VCF-style: chr17-68172402-C-T.
Other names: short protein forms L408F.
Identifiers: ClinVar variation 1415081 (VCV001415081.8), dbSNP rs753757610, ClinGen allele CA400864065.

ClinVar aggregate classification (germline): Uncertain significance (1 of 4 stars; one submission).

Conditions:
Andersen Tawil syndrome (LQT7). Also called: LONG QT SYNDROME 7; PERIODIC PARALYSIS, POTASSIUM-SENSITIVE CARDIODYSRHYTHMIC TYPE; Andersen Syndrome; Potassium-sensitive periodic paralysis, ventricular ectopy, and dysmorphic features; ANDERSEN CARDIODYSRHYTHMIC PERIODIC PARALYSIS. Identifiers: Orphanet 37553, MedGen C1563715, MONDO:0008222, OMIM 170390.
Short QT syndrome type 3. Identifiers: Orphanet 51083, MedGen C1865018, MONDO:0012314, OMIM 609622.

Submission:

Labcorp Genetics (formerly Invitae), Labcorp
Classification: Uncertain significance for Short QT syndrome type 3; Andersen Tawil syndrome. Last evaluated: 2021-08-19. Review status: criteria provided, single submitter. Criteria: Invitae Variant Classification Sherloc (09022015). Collection method: clinical testing. Allele origin: germline.
Comment: In summary, the available evidence is currently insufficient to determine the role of this variant in disease. Therefore, it has been classified as a Variant of Uncertain Significance. Algorithms developed to predict the effect of missense changes on protein structure and function (SIFT, PolyPhen-2, Align-GVGD) all suggest that this variant is likely to be tolerated, but these predictions have not been confirmed by published functional studies and their clinical significance is uncertain. This variant has not been reported in the literature in individuals with KCNJ2-related conditions. This variant is not present in population databases (ExAC no frequency). This sequence change replaces leucine with phenylalanine at codon 408 of the KCNJ2 protein (p.Leu408Phe). The leucine residue is moderately conserved and there is a small physicochemical difference between leucine and phenylalanine.